The following is an entry in ClinVar:

NM_001378454.1(ALMS1):c.4552A>C (p.Ile1518Leu)

Gene: ALMS1 (ALMS1 centrosome and basal body associated protein; plus strand). Cytogenetic location: 2p13.1.
Variant type: single nucleotide variant.
Coding change: c.4552A>C on transcript NM_001378454.1 (MANE Select); coding-DNA position 4552, A replaced by C.
Protein change: p.Ile1518Leu; replaces isoleucine 1518 with leucine.
Molecular consequence: missense variant.
Genome position (GRCh38, 1-based): chr2:73,451,079, A>C. VCF-style: chr2-73451079-A-C. GRCh37 (hg19) VCF-style: chr2-73678206-A-C.
Other names: c.4555A>C, p.Ile1519Leu (NM_015120.4); short protein forms I1518L, I1519L.
Identifiers: ClinVar variation 2987797 (VCV002987797.1), dbSNP rs1438157029, ClinGen allele CA347278771.

ClinVar aggregate classification (germline): Uncertain significance (1 of 4 stars; one submission).

Conditions:
Alstrom syndrome (ALMS). Identifiers: Orphanet 64, MedGen C0268425, MONDO:0008763, OMIM 203800.

gnomAD v4.1: 1 of 1,613,304 alleles (0.000062%); highest among the groups gnomAD compares: Non-Finnish European, 0.000085%; no homozygotes.

Submission:

Labcorp Genetics (formerly Invitae), Labcorp
Classification: Uncertain significance for Alstrom syndrome. Last evaluated: 2024-01-06. Review status: criteria provided, single submitter. Criteria: Invitae Variant Classification Sherloc (09022015). Collection method: clinical testing. Allele origin: germline.
Comment: This sequence change replaces isoleucine, which is neutral and non-polar, with leucine, which is neutral and non-polar, at codon 1519 of the ALMS1 protein (p.Ile1519Leu). This variant is present in population databases (no rsID available, gnomAD 0.0009%). This variant has not been reported in the literature in individuals affected with ALMS1-related conditions. Experimental studies and prediction algorithms are not available or were not evaluated, and the functional significance of this variant is currently unknown. In summary, the available evidence is currently insufficient to determine the role of this variant in disease. Therefore, it has been classified as a Variant of Uncertain Significance.